The following is an entry in ClinVar:

ClinVar aggregate classification (germline): Likely pathogenic (1 of 4 stars; one submission).

Conditions:
Charcot-Marie-Tooth disease type 2. Also called: Charcot-Marie-Tooth type 2. Identifiers: Orphanet 64746, MedGen C0270914, MONDO:0018993.

Submission:

Labcorp Genetics (formerly Invitae), Labcorp
Classification: Likely pathogenic for Charcot-Marie-Tooth disease type 2. Last evaluated: 2024-09-17. Review status: criteria provided, single submitter. Criteria: Invitae Variant Classification Sherloc (09022015). Collection method: clinical testing. Allele origin: germline.
Comment: This sequence change replaces histidine, which is basic and polar, with glutamine, which is neutral and polar, at codon 165 of the MFN2 protein (p.His165Gln). This variant is not present in population databases (gnomAD no frequency). This missense change has been observed in individual(s) with clinical features of autosomal dominant Charcot-Marie-Tooth disease (internal data). ClinVar contains an entry for this variant (Variation ID: 644415). Invitae Evidence Modeling of protein sequence and biophysical properties (such as structural, functional, and spatial information, amino acid conservation, physicochemical variation, residue mobility, and thermodynamic stability) indicates that this missense variant is expected to disrupt MFN2 protein function with a positive predictive value of 95%. This variant disrupts the p.His165 amino acid residue in MFN2. Other variant(s) that disrupt this residue have been determined to be pathogenic (PMID: 16087932, 16714318, 16835246, 20951041). This suggests that this residue is clinically significant, and that variants that disrupt this residue are likely to be disease-causing. In summary, the currently available evidence indicates that the variant is pathogenic, but additional data are needed to prove that conclusively. Therefore, this variant has been classified as Likely Pathogenic.

Literature cited by the submitters: PubMed 16087932; PubMed 16714318; PubMed 16835246; PubMed 20951041.

NM_014874.4(MFN2):c.495T>G (p.His165Gln)

Gene: MFN2 (mitofusin 2; plus strand). Cytogenetic location: 1p36.22.
Variant type: single nucleotide variant.
Coding change: c.495T>G on transcript NM_014874.4 (MANE Select); coding-DNA position 495, T replaced by G.
Protein change: p.His165Gln; replaces histidine 165 with glutamine.
Molecular consequence: missense variant.
Genome position (GRCh38, 1-based): chr1:11,997,317, T>G. VCF-style: chr1-11997317-T-G. GRCh37 (hg19) VCF-style: chr1-12057374-T-G.
Other names: c.495T>G, p.His165Gln (NM_001127660.2); short protein forms H165Q.
Identifiers: ClinVar variation 644415 (VCV000644415.10), dbSNP rs1569834720, ClinGen allele CA338436264.